The following is an entry in ClinVar:

NM_000051.4(ATM):c.7258G>C (p.Ala2420Pro)

Genes: ATM (ATM serine/threonine kinase; plus strand), C11orf65 (chromosome 11 open reading frame 65; minus strand). Cytogenetic location: 11q22.3.
Variant type: single nucleotide variant.
Coding change: c.7258G>C on transcript NM_000051.4 (MANE Select); coding-DNA position 7258, G replaced by C.
Protein change: p.Ala2420Pro; replaces alanine 2420 with proline.
Molecular consequence: missense variant. On other transcripts: intron variant (2).
Genome position (GRCh38, 1-based): chr11:108,329,189, G>C. VCF-style: chr11-108329189-G-C. GRCh37 (hg19) VCF-style: chr11-108199916-G-C.
Other names: c.7258G>C, p.Ala2420Pro (NM_001351834.2); c.641-20118C>G (NM_001330368.2); c.*38+6031C>G (NM_001351110.2); short protein forms A2420P.
Identifiers: ClinVar variation 3450828 (VCV003450828.1).
Genomic context (GRCh38, chr11:108,329,189, plus strand): 5'-AGAATTGAAAACTACATGAAATCATCGGAATTTGAAAACAAGCAAGCTCTCCTGAAAAGA[G>C]CCAAAGAGGAAGTAGGTCTCCTTAGGGAACATAAAATTCAGACAAACAGGTAACTAGGTT-3'
Protein context (NP_000042.3, residues 2410-2430): FENKQALLKR[Ala2420Pro]KEEVGLLREH

ClinVar aggregate classification (germline): Uncertain significance (1 of 4 stars; one submission).

Conditions:
Hereditary cancer-predisposing syndrome. Also called: Tumor predisposition; Hereditary Cancer Syndrome; Neoplastic Syndromes, Hereditary; Hereditary neoplastic syndrome. Identifiers: Orphanet 140162, MedGen C0027672, MeSH D009386, MONDO:0015356.

Submission:

Ambry Genetics
Classification: Uncertain significance for Hereditary cancer-predisposing syndrome. Last evaluated: 2024-08-24. Review status: criteria provided, single submitter. Criteria: Ambry Variant Classification Scheme 2023. Collection method: clinical testing. Allele origin: germline.
Comment: The p.A2420P variant (also known as c.7258G>C), located in coding exon 48 of the ATM gene, results from a G to C substitution at nucleotide position 7258. The alanine at codon 2420 is replaced by proline, an amino acid with highly similar properties. This amino acid position is conserved. In addition, this alteration is predicted to be deleterious by in silico analysis. Based on the available evidence, the clinical significance of this variant remains unclear.